The following is an entry in ClinVar:

NM_003865.3(HESX1):c.516T>A (p.Phe172Leu)

Gene: HESX1 (HESX homeobox 1; minus strand). Cytogenetic location: 3p14.3.
Variant type: single nucleotide variant.
Coding change: c.516T>A on transcript NM_003865.3 (MANE Select); coding-DNA position 516, T replaced by A.
Protein change: p.Phe172Leu; replaces phenylalanine 172 with leucine.
Molecular consequence: missense variant. On other transcripts: non-coding transcript variant (1).
Genome position (GRCh38, 1-based): chr3:57,198,239, A>T on the plus strand (T>A on the coding strand, the complement: HESX1 is on the minus strand). VCF-style: chr3-57198239-A-T. GRCh37 (hg19) VCF-style: chr3-57232267-A-T.
Other names: c.516T>A, p.Phe172Leu (NM_001376058.1, NM_001376059.1, NM_001376060.1 and 1 more transcripts); short protein forms F172L.
Identifiers: ClinVar variation 4686372 (VCV004686372.1).

ClinVar aggregate classification (germline): Uncertain significance (1 of 4 stars; one submission).

Submission:

GeneDx
Classification: Uncertain significance. Last evaluated: 2025-07-16. Review status: criteria provided, single submitter. Criteria: GeneDx Variant Classification Process June 2021. Collection method: clinical testing. Allele origin: germline. Affected: yes.
Comment: Not observed at significant frequency in large population cohorts (gnomAD); In silico analysis supports that this missense variant has a deleterious effect on protein structure/function; Has not been previously published as pathogenic or benign to our knowledge